The following is an entry in ClinVar:

NM_004006.3(DMD):c.2601_2602dup (p.Ser868fs)

Gene: DMD (dystrophin; minus strand). Cytogenetic location: Xp21.1.
Variant type: Duplication.
Coding change: c.2601_2602dup on transcript NM_004006.3 (MANE Select); coding-DNA positions 2601 to 2602, 2 bases duplicated (AA; older notation c.2601_2602dupAA).
Protein change: p.Ser868fs; shifts the reading frame from serine 868.
Molecular consequence: frameshift variant.
Genome position (GRCh38, 1-based): chrX:32,491,297-32,491,298, TT duplicated on the plus strand (AA on the coding strand, the reverse complement: DMD is on the minus strand); duplicating any 2 consecutive bases within chrX:32,491,297-32,491,300 gives the same sequence; the c. name uses the placement nearest the transcript's 3' end. VCF-style (leftmost placement, unchanged base first): chrX-32491296-C-CTT. GRCh37 (hg19) VCF-style: chrX-32509413-C-CTT.
Other names: c.2577_2578dup, p.Ser860fs (NM_000109.4); c.2589_2590dup, p.Ser864fs (NM_004009.3); c.2232_2233dup, p.Ser745fs (NM_004010.3); short protein forms S864fs, S860fs, S745fs, S868fs.
Identifiers: ClinVar variation 1454526 (VCV001454526.6), dbSNP rs794727322, ClinGen allele CA2573158814.

ClinVar aggregate classification (germline): Pathogenic (1 of 4 stars; one submission).

Conditions:
Duchenne muscular dystrophy (DMD). Also called: Duchenne Muscular Dystrophy (DMD); MUSCULAR DYSTROPHY, PSEUDOHYPERTROPHIC PROGRESSIVE, DUCHENNE TYPE. Identifiers: Orphanet 98896, MedGen C0013264, MONDO:0010679, OMIM 310200.

Submission:

Labcorp Genetics (formerly Invitae), Labcorp
Classification: Pathogenic for Duchenne muscular dystrophy. Last evaluated: 2021-04-06. Review status: criteria provided, single submitter. Criteria: Invitae Variant Classification Sherloc (09022015). Collection method: clinical testing. Allele origin: germline.
Comment: For these reasons, this variant has been classified as Pathogenic. Algorithms developed to predict the effect of sequence changes on RNA splicing suggest that this variant may create or strengthen a splice site, but this prediction has not been confirmed by published transcriptional studies. This variant has not been reported in the literature in individuals with DMD-related conditions. This variant is not present in population databases (ExAC no frequency). This sequence change creates a premature translational stop signal (p.Ser868Lysfs*4) in the DMD gene. It is expected to result in an absent or disrupted protein product. Loss-of-function variants in DMD are known to be pathogenic (PMID: 16770791, 25007885).

Literature cited by the submitters: PubMed 16770791; PubMed 25007885.